The following is an entry in ClinVar:

NM_003200.5(TCF3):c.251C>T (p.Ser84Leu)

Gene: TCF3 (transcription factor 3; minus strand). Cytogenetic location: 19p13.3.
Variant type: single nucleotide variant.
Coding change: c.251C>T on transcript NM_003200.5 (MANE Select); coding-DNA position 251, C replaced by T.
Protein change: p.Ser84Leu; replaces serine 84 with leucine.
Molecular consequence: missense variant.
Genome position (GRCh38, 1-based): chr19:1,632,085, G>A on the plus strand (C>T on the coding strand, the complement: TCF3 is on the minus strand). VCF-style: chr19-1632085-G-A. GRCh37 (hg19) VCF-style: chr19-1632084-G-A.
Other names: c.251C>T, p.Ser84Leu (NM_001136139.4, NM_001351778.2, NM_001351779.2); short protein forms S84L.
Identifiers: ClinVar variation 4691889 (VCV004691889.1).

ClinVar aggregate classification (germline): Uncertain significance (1 of 4 stars; one submission).

gnomAD v4.1: 6 of 1,613,248 alleles (0.00037%); highest among the groups gnomAD compares: Non-Finnish European, 0.00051%; no homozygotes.

Submission:

Labcorp Genetics (formerly Invitae), Labcorp
Classification: Uncertain significance. Last evaluated: 2025-10-14. Review status: criteria provided, single submitter. Criteria: Invitae Variant Classification Sherloc (09022015). Collection method: clinical testing. Allele origin: germline.
Comment: This sequence change replaces serine, which is neutral and polar, with leucine, which is neutral and non-polar, at codon 84 of the TCF3 protein (p.Ser84Leu). The frequency data for this variant in the population databases is considered unreliable, as metrics indicate poor data quality at this position in the gnomAD database. This variant has not been reported in the literature in individuals affected with TCF3-related conditions. Invitae Evidence Modeling of protein sequence and biophysical properties (such as structural, functional, and spatial information, amino acid conservation, physicochemical variation, residue mobility, and thermodynamic stability) indicates that this missense variant is not expected to disrupt TCF3 protein function with a negative predictive value of 80%. In summary, the available evidence is currently insufficient to determine the role of this variant in disease. Therefore, it has been classified as a Variant of Uncertain Significance.